The following is an entry in ClinVar:

ClinVar aggregate classification (germline): Uncertain significance (1 of 4 stars; one submission).

Conditions:
Adams-Oliver syndrome 5 (AOS5). Identifiers: Orphanet 974, MedGen C4014970, MONDO:0014459, OMIM 616028.

gnomAD v4.1: 4 of 1,612,106 alleles (0.00025%); highest among the groups gnomAD compares: Non-Finnish European, 0.00025%; no homozygotes.

Submission:

Labcorp Genetics (formerly Invitae), Labcorp
Classification: Uncertain significance for Adams-Oliver syndrome 5. Last evaluated: 2018-12-18. Review status: criteria provided, single submitter. Criteria: Invitae Variant Classification Sherloc (09022015). Collection method: clinical testing. Allele origin: germline.
Comment: This variant is not present in population databases (ExAC no frequency). This sequence change replaces leucine with valine at codon 1428 of the NOTCH1 protein (p.Leu1428Val). The leucine residue is highly conserved and there is a small physicochemical difference between leucine and valine. This variant has not been reported in the literature in individuals with NOTCH1-related conditions. In summary, the available evidence is currently insufficient to determine the role of this variant in disease. Therefore, it has been classified as a Variant of Uncertain Significance. Algorithms developed to predict the effect of missense changes on protein structure and function (SIFT, PolyPhen-2, Align-GVGD) all suggest that this variant is likely to be disruptive, but these predictions have not been confirmed by published functional studies and their clinical significance is uncertain.

NM_017617.5(NOTCH1):c.4282C>G (p.Leu1428Val)

Gene: NOTCH1 (notch receptor 1; minus strand). Cytogenetic location: 9q34.3.
Variant type: single nucleotide variant.
Coding change: c.4282C>G on transcript NM_017617.5 (MANE Select); coding-DNA position 4282, C replaced by G.
Protein change: p.Leu1428Val; replaces leucine 1428 with valine.
Molecular consequence: missense variant.
Genome position (GRCh38, 1-based): chr9:136,505,614, G>C on the plus strand (C>G on the coding strand, the complement: NOTCH1 is on the minus strand). VCF-style: chr9-136505614-G-C. GRCh37 (hg19) VCF-style: chr9-139400066-G-C.
Other names: c.4282C>G, p.Leu1428Val (LRG_1122t1); short protein forms L1428V.
Identifiers: ClinVar variation 657767 (VCV000657767.8), dbSNP rs1363126385, ClinGen allele CA375648494.
Genomic context (GRCh38, chr9:136,505,614, plus strand): 5'-CCTCCTCGATCAGCGGCGGGGGGATGTCGCGCCCGGCCCCACCCCCGAAGCTGTAGTCCA[G>C]GATGTGGCACAAGAGCCCGTTGAATTTGGCGGGGCACAGGCAACGGTAGAAGGGGCTCTC-3'
Protein context (NP_060087.3, residues 1418-1438): AKFNGLLCHI[Leu1428Val]DYSFGGGAGR